The following is an entry in ClinVar:

NM_020751.3(COG6):c.1693-11_1693-6del

Gene: COG6 (component of oligomeric golgi complex 6; plus strand). Cytogenetic location: 13q14.11.
Variant type: Deletion.
Coding change: c.1693-11_1693-6del on transcript NM_020751.3 (MANE Select); 11 bases into the intron before coding-DNA position 1693 through 6 bases into the intron before coding-DNA position 1693, 6 bases deleted (TTTTTA; older notation c.1693-11_1693-6delTTTTTA).
Molecular consequence: intron variant.
Genome position (GRCh38, 1-based): chr13:39,724,497-39,724,502, TTTTTA deleted. VCF-style (leftmost placement, unchanged base first): chr13-39724496-TTTTTTA-T. GRCh37 (hg19) VCF-style: chr13-40298633-TTTTTTA-T.
Other names: c.1693-11_1693-6del (NM_001145079.2).
Identifiers: ClinVar variation 2308261 (VCV002308261.2), dbSNP rs752497489, ClinGen allele CA6958756.

ClinVar aggregate classification (germline): Uncertain significance (1 of 4 stars; one submission).

Conditions:
Inborn genetic diseases. Identifiers: MedGen C0950123, MeSH D030342.

Allele frequency attached by ClinVar (database versions not stated): gnomAD exomes 0.00001.

Submission:

Ambry Genetics
Classification: Uncertain significance for Inborn genetic diseases. Last evaluated: 2022-09-14. Review status: criteria provided, single submitter. Criteria: Ambry Variant Classification Scheme 2023. Collection method: clinical testing. Allele origin: germline.
Comment: The c.1693-11_1693-6delTTTTTA alteration is located in Intron 16 (E) of the COG6 gene. This alteration consists of a deletion of 6 nucleotides between nucleotide positions c.1693-11 and c.1693-6 Intron 16 (E). Based on insufficient or conflicting evidence, the clinical significance of this alteration remains unclear.